The following is an entry in ClinVar:

ClinVar aggregate classification (germline): Likely benign. Review status: reviewed by expert panel (3 of 4 stars). 19 submissions from 19 submitters: Likely benign (1). 18 of the submissions do not count toward it. Last evaluated 2025-10-28.

Conditions:
Muscular dystrophy, limb-girdle, autosomal dominant 4. Also called: MUSCULAR DYSTROPHY, LIMB-GIRDLE, TYPE 1I; Calpain-3-related limb-girdle muscular dystrophy D4. Identifiers: Orphanet 565909, MedGen C4748295, MONDO:0029133, OMIM 618129.
Autosomal recessive limb-girdle muscular dystrophy. Identifiers: Orphanet 102015, MedGen C2931907, MONDO:0015152.
CAPN3-related disorder. Also called: CAPN3-related disorders; CAPN3-related condition. Identifiers: MedGen CN239245.
Autosomal recessive limb-girdle muscular dystrophy type 2A (LGMDR1). Also called: LEYDEN-MOEBIUS MUSCULAR DYSTROPHY; MUSCULAR DYSTROPHY, PELVOFEMORAL; Muscular dystrophy, limb-girdle, type 2A, Amish; Limb-girdle muscular dystrophy, type 2A; Calpainopathy. Identifiers: Orphanet 267, MedGen C1869123, MONDO:0009675, OMIM 253600. Disease mechanism: loss of function.

Allele frequency attached by ClinVar (database versions not stated): ExAC 0.00079; TOPMed 0.00084; gnomAD 0.00075 and 0.00073; ESP Exome Variant Server 0.00077; 1000 Genomes Project 0.00080; gnomAD exomes 0.00079 and 0.00093; 1000 Genomes Project 30x 0.00094.
gnomAD v4.1: 1,472 of 1,613,422 alleles (0.091%); highest among the groups gnomAD compares: Middle Eastern, 0.36%; 2 homozygotes.

Submissions 1 to 10 of 19:

ClinGen Limb Girdle Muscular Dystrophy Variant Curation Expert Panel, ClinGen
Classification: Likely benign for Autosomal recessive limb-girdle muscular dystrophy. Last evaluated: 2025-10-28. Review status: reviewed by expert panel. Criteria: ClinGen LGMD VCEP ACMG Specifications CAPN3 V2.0.0. Collection method: curation. Allele origin: germline. Inheritance: Autosomal recessive inheritance.
Comment: The NM_000070.3: c.2257G>A variant in CAPN3 is a missense variant predicted to cause a substitution of aspartate by asparagine at position 753, p.(Asp753Asn). The Grpmax filtering allele frequency of this variant in gnomAD v4.1.0 is 0.002457 (the lower threshold of the 95% CI of 22/6060 Middle Eastern chromosomes), which is greater than the ClinGen LGMD VCEP threshold >0.001 for BS1, meeting this criterion (BS1). The Total population also includes 2 homozygous individuals. While this variant has been reported in patients with features consistent with LGMD (PMID: 38391941, 18854869, 16141003), several individuals had other CAPN3 variants that could explain the phenotype, and the remaining reports did not provide sufficient evidence indicating pathogenicity given the variant's population frequency (PM3, PP4 not met). In one individual, this variant was confirmed in cis with a pathogenic variant (c.1401_1403del p.(Glu467del), PMID 38391941, BP2). The computational predictor REVEL gives a score of 0.649, which is below the LGMD VCEP threshold of ≥0.70 for PP3 (criterion not met). In summary, this variant meets the criteria to be classified as likely benign for autosomal recessive limb girdle muscular dystrophy based on the ACMG/AMP criteria applied, as specified by the ClinGen LGMD VCEP (LGMD VCEP specifications version 2.0.0; 10/28/2025): BS1, BP2.

Women's Health and Genetics/Laboratory Corporation of America, LabCorp
Classification: Uncertain significance. Last evaluated: 2026-02-04. Review status: criteria provided, single submitter. Criteria: LabCorp Variant Classification Summary - May 2015. Collection method: clinical testing. Allele origin: germline. Not counted in ClinVar's aggregate classification.
Comment: Variant summary: CAPN3 c.2257G>A (p.Asp753Asn) results in a conservative amino acid change located in the EF-hand domain of the encoded protein sequence. Algorithms developed to predict the effect of missense changes on protein structure and function are either unavailable or do not agree on the potential impact of this missense change. The variant allele was found at a frequency of 0.00079 in 250800 control chromosomes. This frequency is not significantly higher than estimated for disease-causing variants in CAPN3, allowing no conclusion about variant significance. c.2257G>A has been observed in the heterozygous or compound heterozygous state in individuals affected with Limb-Girdle Muscular Dystrophy without strong evidence for causality (e.g., Fanin_2004, Piluso_2005, Saenz_2005, Todorova_2007, Guglieri_2008, Fanin_2009, Nallamilli_2018, Macias_2021, Ozyilmaz_2022, Muthel_2023, Aguti_2023, Rini_2025). These report(s) do not provide unequivocal conclusions about association of the variant with Limb-Girdle Muscular Dystrophy, Autosomal Recessive. To our knowledge, no experimental evidence demonstrating an impact on protein function has been reported. The following publications have been ascertained in the context of this evaluation (PMID: 30564623, 17994539, 31931849, 18854869, 16141003, 15221789, 32528171, 15689361, 32403337, 34720847, 31517061, 17318636, 35157181, 38391941, 36865086, 40870035). ClinVar contains an entry for this variant (Variation ID: 281081). Based on the evidence outlined above, the variant was classified as uncertain significance.

GeneDx
Classification: Uncertain significance. Last evaluated: 2025-10-21. Review status: criteria provided, single submitter. Criteria: GeneDx Variant Classification Process June 2021. Collection method: clinical testing. Allele origin: germline. Affected: yes. Not counted in ClinVar's aggregate classification.
Comment: Reported as a single heterozygous variant and with a second CAPN3 variant in patients with limb-girdle muscular dystrophy; however it is unknown if the variants were in cis or trans for some cases with two CAPN3 variants dectected (PMID: 18854869, 30564623, 15221789, 16141003, 15689361, 17318636, 38391941, 40870035); In silico analysis supports that this missense variant has a deleterious effect on protein structure/function; This variant is associated with the following publications: (PMID: 17994539, 15689361, 31937337, 17318636, 27884173, 31931849, 30564623, Koken_2022[Poster], 32528171, 34720847, 38391941, 16141003, 36575883, 20044116, 32403337, 35157181, 39457051, 31517061, 18854869, 15221789, 39678382, 39408606, 40870035)

Athena Diagnostics
Classification: Likely benign. Last evaluated: 2025-09-23. Review status: criteria provided, single submitter. Criteria: Athena Diagnostics Criteria. Collection method: clinical testing. Allele origin: unknown. Not counted in ClinVar's aggregate classification.
Comment: The frequency of this variant in the general population is higher than would generally be expected for pathogenic variants in this gene. This variant has been reported in patients however most were het with no second hits.

Labcorp Genetics (formerly Invitae), Labcorp
Classification: Uncertain significance for Autosomal recessive limb-girdle muscular dystrophy type 2A. Last evaluated: 2025-02-03. Review status: criteria provided, single submitter. Criteria: Invitae Variant Classification Sherloc (09022015). Collection method: clinical testing. Allele origin: germline. Not counted in ClinVar's aggregate classification.
Comment: This sequence change replaces aspartic acid, which is acidic and polar, with asparagine, which is neutral and polar, at codon 753 of the CAPN3 protein (p.Asp753Asn). This variant is present in population databases (rs146923842, gnomAD 0.1%), and has an allele count higher than expected for a pathogenic variant. This missense change has been observed in individuals with autosomal recessive limb girdle muscular dystrophy (PMID: 16141003, 18854869). ClinVar contains an entry for this variant (Variation ID: 281081). Invitae Evidence Modeling of protein sequence and biophysical properties (such as structural, functional, and spatial information, amino acid conservation, physicochemical variation, residue mobility, and thermodynamic stability) indicates that this missense variant is not expected to disrupt CAPN3 protein function with a negative predictive value of 80%. In summary, the available evidence is currently insufficient to determine the role of this variant in disease. Therefore, it has been classified as a Variant of Uncertain Significance.

Blueprint Genetics
Classification: Uncertain significance. Last evaluated: 2024-11-21. Review status: criteria provided, single submitter. Criteria: ACMG Guidelines, 2015. Collection method: clinical testing. Allele origin: germline. Not counted in ClinVar's aggregate classification.

Revvity Omics, Revvity
Classification: Uncertain significance. Last evaluated: 2024-06-18. Review status: criteria provided, single submitter. Criteria: ACMG Guidelines, 2015. Collection method: clinical testing. Allele origin: germline. Not counted in ClinVar's aggregate classification.

Greenwood Genetic Center Diagnostic Laboratories, Greenwood Genetic Center
Classification: Uncertain significance. Last evaluated: 2024-04-23. Review status: criteria provided, single submitter. Criteria: ACMG Guidelines, 2015. Collection method: clinical testing. Allele origin: germline. Affected: yes. Not counted in ClinVar's aggregate classification.
Comment: PM3, BS1

Genomic Medicine Center of Excellence, King Faisal Specialist Hospital and Research Centre
Classification: Uncertain significance for Autosomal recessive limb-girdle muscular dystrophy type 2A. Last evaluated: 2024-03-26. Review status: criteria provided, single submitter. Criteria: ACMG Guidelines, 2015. Collection method: clinical testing. Allele origin: germline. Not counted in ClinVar's aggregate classification.

Illumina Laboratory Services, Illumina
Classification: Uncertain significance for CAPN3-related disorder. Last evaluated: 2023-11-23. Review status: criteria provided, single submitter. Criteria: ISL SNV Classification Criteria 03 February 2026. Collection method: clinical testing. Allele origin: unknown. Not counted in ClinVar's aggregate classification.
Comment: The CAPN3 c.2257G>A p.(Asp753Asn) missense variant has been identified in either a heterozygous or compound heterozygous state in at least 22 individuals with a range of phenotypes of different severity including calpainopathy and muscle weakness (PMID:17318636;18854869;15689361;16141003). This highest frequency of this allele in the Genome Aggregation Database is 0.003630 in the Middle Eastern population, which includes 2 homozygotes (version 4.0.0). Functional studies conducted in patient tissue demonstrated that two of these individuals had no/ very low residual calpain activity (PMID:18854869; 31931849). Based on the available evidence, the c.2257G>A p.(Asp753Asn) variant is classified as a variant of uncertain significance for calpainopathy.

NM_000070.3(CAPN3):c.2257G>A (p.Asp753Asn)

Gene: CAPN3 (calpain 3; plus strand). Cytogenetic location: 15q15.1.
Variant type: single nucleotide variant.
Coding change: c.2257G>A on transcript NM_000070.3 (MANE Select); coding-DNA position 2257, G replaced by A.
Protein change: p.Asp753Asn; replaces aspartic acid 753 with asparagine.
Molecular consequence: missense variant.
Genome position (GRCh38, 1-based): chr15:42,410,660, G>A. VCF-style: chr15-42410660-G-A. GRCh37 (hg19) VCF-style: chr15-42702858-G-A.
Other names: p.Asp753Asn; NM_000070.3(CAPN3):c.2257G>A; c.2239G>A, p.Asp747Asn (NM_024344.2); c.1981G>A, p.Asp661Asn (NM_173087.2); c.721G>A, p.Asp241Asn (NM_173088.2); c.262G>A, p.Asp88Asn (NM_173089.2, NM_173090.2); short protein forms D753N, D241N, D88N, D661N, D747N.
Identifiers: ClinVar variation 281081 (VCV000281081.44), dbSNP rs146923842, ClinGen allele CA7511784.